The following is an entry in ClinVar:

ClinVar aggregate classification (germline): Benign/Likely benign. Review status: criteria provided, multiple submitters, no conflicts (2 of 4 stars). 7 submissions from 7 submitters: Benign (3); Likely benign (3). 1 of the submissions does not count toward it. Last evaluated 2025-10-21.

Conditions:
Tuberous sclerosis syndrome (TSC). Also called: Tuberous sclerosis; Tuberous Sclerosis Complex. Identifiers: Orphanet 805, MedGen C0041341, MONDO:0001734.
Hereditary cancer-predisposing syndrome. Also called: Hereditary Cancer Syndrome; Tumor predisposition; Neoplastic Syndromes, Hereditary; Hereditary neoplastic syndrome. Identifiers: Orphanet 140162, MedGen C0027672, MeSH D009386, MONDO:0015356.
TSC2-related disorder. Also called: TSC2-related condition; TSC2-Related Disorders.
Tuberous sclerosis 2 (TSC2). Identifiers: Orphanet 805, MedGen C1860707, MONDO:0013199, OMIM 613254.

Allele frequency attached by ClinVar (database versions not stated): gnomAD exomes 0.00001; TOPMed 0.00002; ExAC 0.00003; gnomAD 0.00005 and 0.00006.
gnomAD v4.1: 15 of 1,612,844 alleles (0.00093%); highest among the groups gnomAD compares: African/African-American, 0.0093%; no homozygotes.

Submissions (7):

Labcorp Genetics (formerly Invitae), Labcorp
Classification: Benign for Tuberous sclerosis 2. Last evaluated: 2025-10-21. Review status: criteria provided, single submitter. Criteria: Invitae Variant Classification Sherloc (09022015). Collection method: clinical testing. Allele origin: germline.

Myriad Genetics, Inc.
Classification: Benign for Tuberous sclerosis 2. Last evaluated: 2025-05-30. Review status: criteria provided, single submitter. Criteria: Myriad Autosomal Dominant, Autosomal Recessive and X-Linked Classification Criteria (2023). Collection method: clinical testing. Allele origin: unknown.
Comment: This variant is considered benign. This variant is a silent/synonymous amino acid change and it is not expected to impact splicing.

All of Us Research Program, National Institutes of Health
Classification: Likely benign for Tuberous sclerosis syndrome. Last evaluated: 2024-07-20. Review status: criteria provided, single submitter. Criteria: ACMG Guidelines, 2015. Collection method: clinical testing. Allele origin: germline. Inheritance: Autosomal dominant inheritance. Observed: 1 variant allele, 1 heterozygote.
Comment: This study involves interpretation of variants in research participants for the purpose of population health screening. Participant phenotype was not available at the time of variant classification. Additional details can be found in publication PMID: 35346344, PMCID: PMC8962531

Genome-Nilou Lab
Classification: Benign for Tuberous sclerosis 2. Last evaluated: 2021-11-07. Review status: criteria provided, single submitter. Criteria: ACMG Guidelines, 2015. Collection method: clinical testing. Allele origin: germline. Affected: no.

Ambry Genetics
Classification: Likely benign for Hereditary cancer-predisposing syndrome. Last evaluated: 2019-03-15. Review status: criteria provided, single submitter. Criteria: Ambry Variant Classification Scheme 2023. Collection method: clinical testing. Allele origin: germline.

GeneDx
Classification: Likely benign. Last evaluated: 2017-12-01. Review status: criteria provided, single submitter. Criteria: GeneDx Variant Classification (06012015). Collection method: clinical testing. Allele origin: germline. Affected: yes.
Comment: This variant is considered likely benign or benign based on one or more of the following criteria: it is a conservative change, it occurs at a poorly conserved position in the protein, it is predicted to be benign by multiple in silico algorithms, and/or has population frequency not consistent with disease.

PreventionGenetics, part of Exact Sciences
Classification: Likely benign for TSC2-related condition. Last evaluated: 2022-09-23. Review status: no assertion criteria provided. Collection method: clinical testing. Allele origin: germline. Not counted in ClinVar's aggregate classification.
Comment: This variant is classified as likely benign based on ACMG/AMP sequence variant interpretation guidelines (Richards et al. 2015 PMID: 25741868, with internal and published modifications).

NM_000548.5(TSC2):c.3666C>T (p.Asp1222=)

Gene: TSC2 (TSC complex subunit 2; plus strand). Cytogenetic location: 16p13.3.
Variant type: single nucleotide variant.
Coding change: c.3666C>T on transcript NM_000548.5 (MANE Select); coding-DNA position 3666, C replaced by T.
Protein change: p.Asp1222=; no amino-acid change (aspartic acid 1222 retained).
Molecular consequence: synonymous variant.
Genome position (GRCh38, 1-based): chr16:2,081,650, C>T. VCF-style: chr16-2081650-C-T. GRCh37 (hg19) VCF-style: chr16-2131651-C-T.
Other names: c.3534C>T, p.Asp1178= (NM_001077183.3, NM_001370404.1); c.3666C>T, p.Asp1222= (NM_001114382.3); c.3426C>T, p.Asp1142= (NM_001318827.2); c.3390C>T, p.Asp1130= (NM_001318829.2); c.2934C>T, p.Asp978= (NM_001318831.2); c.3567C>T, p.Asp1189= (NM_001318832.2); c.3537C>T, p.Asp1179= (NM_001363528.2, NM_001370405.1, NM_021055.3); c.3666C>T (NM_000548.4).
Identifiers: ClinVar variation 513890 (VCV000513890.20), dbSNP rs749870079, ClinGen allele CA048029.